The following is an entry in ClinVar:

NM_019888.3(MC3R):c.151G>A (p.Val51Ile)

Gene: MC3R (melanocortin 3 receptor; plus strand). Cytogenetic location: 20q13.2.
Variant type: single nucleotide variant.
Coding change: c.151G>A on transcript NM_019888.3 (MANE Select); coding-DNA position 151, G replaced by A.
Protein change: p.Val51Ile; replaces valine 51 with isoleucine.
Molecular consequence: missense variant.
Genome position (GRCh38, 1-based): chr20:56,248,994, G>A. VCF-style: chr20-56248994-G-A. GRCh37 (hg19) VCF-style: chr20-54824050-G-A.
Other names: short protein forms V51I.
Identifiers: ClinVar variation 4988455 (VCV004988455.1).

ClinVar aggregate classification (germline): Uncertain significance (1 of 4 stars; one submission).

Conditions:
MC3R-related disorder. Also called: MC3R-related condition.

Submission:

PreventionGenetics, part of Exact Sciences
Classification: Uncertain significance for MC3R-related condition. Last evaluated: 2026-01-14. Review status: criteria provided, single submitter. Criteria: ACMG Guidelines, 2015. Collection method: clinical testing. Allele origin: germline.
Comment: The MC3R c.151G>A variant is predicted to result in the amino acid substitution p.Val51Ile. To our knowledge, this variant has not been reported in the literature. This variant is reported in 0.0054% of alleles in individuals of East Asian descent in gnomAD. At this time, the clinical significance of this variant is uncertain due to the absence of conclusive functional and genetic evidence.